The following is an entry in ClinVar:

ClinVar aggregate classification (germline): Uncertain significance (1 of 4 stars; one submission).

Conditions:
TECTA-related disorder. Also called: TECTA-related condition.

Submission:

PreventionGenetics, part of Exact Sciences
Classification: Uncertain significance for TECTA-related condition. Last evaluated: 2023-03-13. Review status: criteria provided, single submitter. Criteria: ACMG Guidelines, 2015. Collection method: clinical testing. Allele origin: germline.
Comment: The TECTA c.2522A>G variant is predicted to result in the amino acid substitution p.Tyr841Cys. To our knowledge, this variant has not been reported in the literature or in a large population database, indicating this variant is rare. At this time, the clinical significance of this variant is uncertain due to the absence of conclusive functional and genetic evidence.

NM_005422.4(TECTA):c.2522A>G (p.Tyr841Cys)

Genes: TBCEL-TECTA (TBCEL-TECTA readthrough; plus strand), TECTA (tectorin alpha; plus strand), LOC126861365 (P300/CBP strongly-dependent group 1 enhancer GRCh37_chr11:121000154-121001353; plus strand). Cytogenetic location: 11q23.3.
Variant type: single nucleotide variant.
Coding change: c.2522A>G on transcript NM_005422.4 (MANE Select); coding-DNA position 2522, A replaced by G.
Protein change: p.Tyr841Cys; replaces tyrosine 841 with cysteine.
Molecular consequence: missense variant.
Genome position (GRCh38, 1-based): chr11:121,129,792, A>G. VCF-style: chr11-121129792-A-G. GRCh37 (hg19) VCF-style: chr11-121000501-A-G.
Other names: c.3479A>G, p.Tyr1160Cys (NM_001378761.1); short protein forms Y1160C, Y841C.
Identifiers: ClinVar variation 2630495 (VCV002630495.1), dbSNP rs2496925305, ClinGen allele CA383016181.